The following is an entry in ClinVar:

ClinVar aggregate classification (germline): Uncertain significance. Review status: criteria provided, multiple submitters, no conflicts (2 of 4 stars). 2 submissions from 2 submitters: Uncertain significance (2). Last evaluated 2024-04-28.

Conditions:
Cardiovascular phenotype. Identifiers: MedGen CN230736.
Primary dilated cardiomyopathy (DCM). Also called: Dilated Cardiomyopathy. Identifiers: Orphanet 217604, MedGen C0007193, MeSH D002311, MONDO:0005021, HP:0001644. Inheritance: Various modes of inheritance.

Allele frequency attached by ClinVar (database versions not stated): gnomAD exomes below 0.00001.

Submissions (2):

Ambry Genetics
Classification: Uncertain significance for Cardiovascular phenotype. Last evaluated: 2024-04-28. Review status: criteria provided, single submitter. Criteria: Ambry Variant Classification Scheme 2023. Collection method: clinical testing. Allele origin: germline.
Comment: The p.P498S variant (also known as c.1492C>T), located in coding exon 17 of the TXNRD2 gene, results from a C to T substitution at nucleotide position 1492. The proline at codon 498 is replaced by serine, an amino acid with similar properties. This amino acid position is conserved. In addition, this alteration is predicted to be deleterious by in silico analysis. Based on the available evidence, the clinical significance of this variant remains unclear.

Labcorp Genetics (formerly Invitae), Labcorp
Classification: Uncertain significance for Primary dilated cardiomyopathy. Last evaluated: 2023-10-15. Review status: criteria provided, single submitter. Criteria: Invitae Variant Classification Sherloc (09022015). Collection method: clinical testing. Allele origin: germline.
Comment: This sequence change replaces proline, which is neutral and non-polar, with serine, which is neutral and polar, at codon 498 of the TXNRD2 protein (p.Pro498Ser). This variant is not present in population databases (gnomAD no frequency). This variant has not been reported in the literature in individuals affected with TXNRD2-related conditions. ClinVar contains an entry for this variant (Variation ID: 1006684). Advanced modeling of protein sequence and biophysical properties (such as structural, functional, and spatial information, amino acid conservation, physicochemical variation, residue mobility, and thermodynamic stability) performed at Invitae indicates that this missense variant is expected to disrupt TXNRD2 protein function. In summary, the available evidence is currently insufficient to determine the role of this variant in disease. Therefore, it has been classified as a Variant of Uncertain Significance.

NM_006440.5(TXNRD2):c.1492C>T (p.Pro498Ser)

Gene: TXNRD2 (thioredoxin reductase 2; minus strand). Cytogenetic location: 22q11.21.
Variant type: single nucleotide variant.
Coding change: c.1492C>T on transcript NM_006440.5 (MANE Select); coding-DNA position 1492, C replaced by T.
Protein change: p.Pro498Ser; replaces proline 498 with serine.
Molecular consequence: missense variant. On other transcripts: non-coding transcript variant (1).
Genome position (GRCh38, 1-based): chr22:19,877,188, G>A on the plus strand (C>T on the coding strand, the complement: TXNRD2 is on the minus strand). VCF-style: chr22-19877188-G-A. GRCh37 (hg19) VCF-style: chr22-19864711-G-A.
Other names: c.1489C>T, p.Pro497Ser (NM_001352300.2); c.1402C>T, p.Pro468Ser (NM_001352301.2); c.1204C>T, p.Pro402Ser (NM_001352302.2); c.1492C>T (NM_006440.3); short protein forms P402S, P468S, P497S, P498S.
Identifiers: ClinVar variation 1006684 (VCV001006684.10), dbSNP rs1569068105, ClinGen allele CA410691581.
Genomic context (GRCh38, chr22:19,877,188, plus strand): 5'-TGGGGTCCAGGCCTGAGCGCTTGGAGATGCGCAGCTTGACTACCTCCTCAGAGCATGTGG[G>A]ATGGATACCCACGGTCCGCATCACCTGCGCATAGGAAGCCCCACACCTGCACATGGGGGA-3'
Protein context (NP_006431.2, residues 488-508): AQVMRTVGIH[Pro498Ser]TCSEEVVKLR